The following is an entry in ClinVar:

NM_004304.5(ALK):c.4177A>G (p.Ile1393Val)

Gene: ALK (ALK receptor tyrosine kinase; minus strand). Cytogenetic location: 2p23.2.
Variant type: single nucleotide variant.
Coding change: c.4177A>G on transcript NM_004304.5 (MANE Select); coding-DNA position 4177, A replaced by G.
Protein change: p.Ile1393Val; replaces isoleucine 1393 with valine.
Molecular consequence: missense variant.
Genome position (GRCh38, 1-based): chr2:29,193,910, T>C on the plus strand (A>G on the coding strand, the complement: ALK is on the minus strand). VCF-style: chr2-29193910-T-C. GRCh37 (hg19) VCF-style: chr2-29416776-T-C.
Other names: c.973A>G, p.Ile325Val (NM_001353765.2); short protein forms I325V, I1393V.
Identifiers: ClinVar variation 4273112 (VCV004273112.1).

ClinVar aggregate classification (germline): Uncertain significance (1 of 4 stars; one submission).

Conditions:
Hereditary cancer-predisposing syndrome. Also called: Hereditary Cancer Syndrome; Hereditary neoplastic syndrome; Neoplastic Syndromes, Hereditary; Tumor predisposition. Identifiers: Orphanet 140162, MedGen C0027672, MeSH D009386, MONDO:0015356.

Submission:

Ambry Genetics
Classification: Uncertain significance for Hereditary cancer-predisposing syndrome. Last evaluated: 2025-08-24. Review status: criteria provided, single submitter. Criteria: Ambry Variant Classification Scheme 2023. Collection method: clinical testing. Allele origin: germline.
Comment: The p.I1393V variant (also known as c.4177A>G), located in coding exon 29 of the ALK gene, results from an A to G substitution at nucleotide position 4177. The isoleucine at codon 1393 is replaced by valine, an amino acid with highly similar properties. This amino acid position is conserved. In addition, this alteration is predicted to be tolerated by in silico analysis. Based on the available evidence, the clinical significance of this variant remains unclear.